The following is an entry in ClinVar:

ClinVar aggregate classification (germline): Likely pathogenic (1 of 4 stars; one submission).

Conditions:
Ehlers-Danlos syndrome, type 4 (EDSVASC). Also called: Ehlers-Danlos Syndrome Type IV; Ehlers-Danlos syndrome vascular type; Ehlers Danlos syndrome, ecchymotic type; Ehlers Danlos syndrome, arterial type; Ehlers Danlos syndrome, Sack-Barabas type. Identifiers: Orphanet 286, MedGen C0268338, MONDO:0017314, OMIM 130050.

Submission:

Labcorp Genetics (formerly Invitae), Labcorp
Classification: Likely pathogenic for Ehlers-Danlos syndrome, type 4. Last evaluated: 2018-09-13. Review status: criteria provided, single submitter. Criteria: Invitae Variant Classification Sherloc (09022015). Collection method: clinical testing. Allele origin: germline.
Comment: In summary, this variant is a novel missense change affecting a residue crucial for protein structure and stability. Although additional genetic data will be necessary to further confirm pathogenicity for this variant, glycine substitutions located in COL3A1 TH domains are likely deleterious. For these reasons, this variant has been classified as Likely Pathogenic. Glycine residues within the triple helix (TH) domain are important for fibrillar collagens structure and stability (PMID: 7695699, 8218237, 19344236). In the case of COL3A1 the majority of the missense substitutions at the triple helix domain affect glycine residues (PMID: 24922459, 25758994). This variant is not present in population databases (ExAC no frequency) and has not been reported in the literature in individuals with a COL3A1-related disease. This sequence change replaces glycine with alanine at codon 399 of the COL3A1 protein (p.Gly399Ala). The glycine residue is highly conserved and there is a small physicochemical difference between glycine and alanine.

Literature cited by the submitters: PubMed 7695699; PubMed 8218237; PubMed 19344236; PubMed 24922459; PubMed 25758994.

NM_000090.4(COL3A1):c.1196G>C (p.Gly399Ala)

Gene: COL3A1 (collagen type III alpha 1 chain; plus strand). Cytogenetic location: 2q32.2.
Variant type: single nucleotide variant.
Coding change: c.1196G>C on transcript NM_000090.4 (MANE Select); coding-DNA position 1196, G replaced by C.
Protein change: p.Gly399Ala; replaces glycine 399 with alanine.
Molecular consequence: missense variant.
Genome position (GRCh38, 1-based): chr2:188,994,235, G>C. VCF-style: chr2-188994235-G-C. GRCh37 (hg19) VCF-style: chr2-189858961-G-C.
Other names: short protein forms G399A.
Identifiers: ClinVar variation 404290 (VCV000404290.8), dbSNP rs1060500194, ClinGen allele CA16610545.